The following is an entry in ClinVar:

NM_000059.4(BRCA2):c.9370_9381del (p.Asn3124_Trp3127del)

Gene: BRCA2 (BRCA2 DNA repair associated; plus strand). Cytogenetic location: 13q13.1.
Variant type: Deletion.
Coding change: c.9370_9381del on transcript NM_000059.4 (MANE Select); coding-DNA positions 9370 to 9381, 12 bases deleted (AACCTCCAGTGG).
Protein change: p.Asn3124_Trp3127del.
Molecular consequence: inframe deletion.
Genome position (GRCh38, 1-based): chr13:32,394,802-32,394,813, AACCTCCAGTGG deleted. VCF-style (leftmost placement, unchanged base first): chr13-32394801-CAACCTCCAGTGG-C. GRCh37 (hg19) VCF-style: chr13-32968938-CAACCTCCAGTGG-C.
Identifiers: ClinVar variation 1352808 (VCV001352808.8), dbSNP rs2137653262, ClinGen allele CA2573149510.

ClinVar aggregate classification (germline): Pathogenic (1 of 4 stars; one submission).

Conditions:
Hereditary breast ovarian cancer syndrome. Also called: BRCA1- and BRCA2-Associated Hereditary Breast and Ovarian Cancer; Hereditary breast and ovarian cancer; Hereditary breast and ovarian cancer syndrome; Hereditary breast and ovarian cancer syndrome (HBOC); Breast and ovarian cancer; Hereditary breast and/or ovarian cancer syndrome. Identifiers: Orphanet 145, MedGen C0677776, MeSH D061325, MONDO:0003582. Disease mechanism: loss of function.

Submission:

Labcorp Genetics (formerly Invitae), Labcorp
Classification: Pathogenic for Hereditary breast ovarian cancer syndrome. Last evaluated: 2023-10-22. Review status: criteria provided, single submitter. Criteria: Invitae Variant Classification Sherloc (09022015). Collection method: clinical testing. Allele origin: germline.
Comment: This variant, c.9370_9381del, results in the deletion of 4 amino acid(s) of the BRCA2 protein (p.Asn3124_Trp3127del), but otherwise preserves the integrity of the reading frame. This variant is not present in population databases (gnomAD no frequency). This variant has not been reported in the literature in individuals affected with BRCA2-related conditions. ClinVar contains an entry for this variant (Variation ID: 1352808). This variant disrupts a region of the BRCA2 protein in which other variant(s) (p.Asn3124Ile) have been determined to be pathogenic (PMID: 11802209, 20383589, 22678057, 23108138, 24728577). This suggests that this is a clinically significant region of the protein, and that variants that disrupt it are likely to be disease-causing. For these reasons, this variant has been classified as Pathogenic.

Literature cited by the submitters: PubMed 11802209; PubMed 20383589; PubMed 22678057; PubMed 23108138; PubMed 24728577.